The following is an entry in ClinVar:

ClinVar aggregate classification (germline): Uncertain significance (1 of 4 stars; one submission).

Submission:

GeneDx
Classification: Uncertain significance. Last evaluated: 2023-05-23. Review status: criteria provided, single submitter. Criteria: GeneDx Variant Classification Process June 2021. Collection method: clinical testing. Allele origin: germline. Affected: yes.
Comment: Not observed at significant frequency in large population cohorts (gnomAD); In silico analysis supports that this missense variant has a deleterious effect on protein structure/function; Has not been previously published as pathogenic or benign to our knowledge

NM_007129.5(ZIC2):c.1301C>G (p.Ser434Trp)

Gene: ZIC2 (Zic family member 2; plus strand). Cytogenetic location: 13q32.3.
Variant type: single nucleotide variant.
Coding change: c.1301C>G on transcript NM_007129.5 (MANE Select); coding-DNA position 1301, C replaced by G.
Protein change: p.Ser434Trp; replaces serine 434 with tryptophan.
Molecular consequence: missense variant.
Genome position (GRCh38, 1-based): chr13:99,985,384, C>G. VCF-style: chr13-99985384-C-G. GRCh37 (hg19) VCF-style: chr13-100637638-C-G.
Other names: short protein forms S434W.
Identifiers: ClinVar variation 3343784 (VCV003343784.1).